The following is an entry in ClinVar:

NM_005670.4(EPM2A):c.223G>A (p.Gly75Arg)

Genes: EPM2A (EPM2A glucan phosphatase, laforin; minus strand), EPM2A-DT (EPM2A divergent transcript; plus strand), LOC129997381 (ATAC-STARR-seq lymphoblastoid silent region 17642; plus strand). Cytogenetic location: 6q24.3.
Variant type: single nucleotide variant.
Coding change: c.223G>A on transcript NM_005670.4 (MANE Select); coding-DNA position 223, G replaced by A.
Protein change: p.Gly75Arg; replaces glycine 75 with arginine.
Molecular consequence: missense variant. On other transcripts: 5 prime UTR variant (3), intron variant (1).
Genome position (GRCh38, 1-based): chr6:145,735,276, C>T on the plus strand (G>A on the coding strand, the complement: EPM2A is on the minus strand). VCF-style: chr6-145735276-C-T. GRCh37 (hg19) VCF-style: chr6-146056412-C-T.
Other names: c.223G>A, p.Gly75Arg (NM_001018041.2, NM_001360057.2, NM_001368130.1); c.-447G>A (NM_001360071.2); c.-401G>A (NM_001368129.2); c.-145G>A (NM_001368131.1); c.-114+632G>A (NM_001360064.2); short protein forms G75R.
Identifiers: ClinVar variation 1378218 (VCV001378218.5), dbSNP rs1184012721, ClinGen allele CA366188004.

ClinVar aggregate classification (germline): Uncertain significance (1 of 4 stars; one submission).

Conditions:
Progressive myoclonic epilepsy. Also called: Familial progressive myoclonic epilepsy; Myoclonus epilepsy; Progressive myoclonus epilepsy; Myoclonic Epilepsies, Progressive. Identifiers: Orphanet 308, Orphanet 98261, MedGen C0751778, MONDO:0020074.

Allele frequency attached by ClinVar (database versions not stated): gnomAD exomes 0.00001.
gnomAD v4.1: 4 of 1,496,918 alleles (0.00027%); highest among the groups gnomAD compares: South Asian, 0.0012%; no homozygotes.

Submission:

Labcorp Genetics (formerly Invitae), Labcorp
Classification: Uncertain significance for Progressive myoclonic epilepsy. Last evaluated: 2021-09-24. Review status: criteria provided, single submitter. Criteria: Invitae Variant Classification Sherloc (09022015). Collection method: clinical testing. Allele origin: germline.
Comment: This sequence change replaces glycine with arginine at codon 75 of the EPM2A protein (p.Gly75Arg). The glycine residue is weakly conserved and there is a moderate physicochemical difference between glycine and arginine. The frequency data for this variant in the population databases is considered unreliable, as metrics indicate insufficient coverage at this position in the ExAC database. This variant has not been reported in the literature in individuals with EPM2A-related conditions. Algorithms developed to predict the effect of missense changes on protein structure and function are either unavailable or do not agree on the potential impact of this missense change (SIFT: "Deleterious"; PolyPhen-2: "Possibly Damaging"; Align-GVGD: "Class C0"). In summary, the available evidence is currently insufficient to determine the role of this variant in disease. Therefore, it has been classified as a Variant of Uncertain Significance.